The following is an entry in ClinVar:

NM_001371986.1(UNC80):c.6481C>A (p.Leu2161Met)

Gene: UNC80 (unc-80 homolog, NALCN channel complex subunit; plus strand). Cytogenetic location: 2q34.
Variant type: single nucleotide variant.
Coding change: c.6481C>A on transcript NM_001371986.1 (MANE Select); coding-DNA position 6481, C replaced by A.
Protein change: p.Leu2161Met; replaces leucine 2161 with methionine.
Molecular consequence: missense variant.
Genome position (GRCh38, 1-based): chr2:209,939,487, C>A. VCF-style: chr2-209939487-C-A. GRCh37 (hg19) VCF-style: chr2-210804211-C-A.
Other names: c.6283C>A, p.Leu2095Met (NM_032504.2); c.6268C>A, p.Leu2090Met (NM_182587.4); short protein forms L2090M, L2095M, L2161M.
Identifiers: ClinVar variation 1699658 (VCV001699658.2), dbSNP rs2124976588, ClinGen allele CA350771864.

ClinVar aggregate classification (germline): Uncertain significance (1 of 4 stars; one submission).

Submission:

GeneDx
Classification: Uncertain significance. Last evaluated: 2022-01-30. Review status: criteria provided, single submitter. Criteria: GeneDx Variant Classification Process June 2021. Collection method: clinical testing. Allele origin: germline. Affected: yes.
Comment: Not observed at significant frequency in large population cohorts (gnomAD); In silico analysis supports that this missense variant does not alter protein structure/function; Has not been previously published as pathogenic or benign to our knowledge